The following is an entry in ClinVar:

ClinVar aggregate classification (germline): Pathogenic/Likely pathogenic. Review status: criteria provided, multiple submitters, no conflicts (2 of 4 stars). 3 submissions from 3 submitters: Pathogenic (2); Likely pathogenic (1). Last evaluated 2026-01-22.

Conditions:
Intellectual developmental disorder, autosomal dominant 42. Also called: GNB1 Encephalopathy; Intellectual disability, autosomal dominant 42; Global developmental delay-neuro-ophthalmological abnormalities-seizures-intellectual disability syndrome. Identifiers: Orphanet 488613, MedGen C4310774, MONDO:0014855, OMIM 616973.

Submissions (3):

Variantyx, Inc.
Classification: Likely pathogenic for Intellectual developmental disorder, autosomal dominant 42. Last evaluated: 2026-01-22. Review status: criteria provided, single submitter. Criteria: Variantyx Assertion Criteria 2022. Collection method: clinical testing. Allele origin: germline. Inheritance: Autosomal dominant inheritance. Affected: yes.
Comment: This is a nonsynonymous variant in the GNB1 gene (OMIM: 139380). Pathogenic variants in this gene have been associated with autosomal dominant intellectual developmental disorder 42. This variant lies within a known hotspot for pathogenic variants or a well-established critical functional domain of the GNB1 protein (PMID: 30194818, 9596582) (PM1). Multiple computational algorithms predict no functional impact for this variant (REVEL score: 0.272) (BP4). This variant is absent from control populations (PM2). Based on the current evidence, this variant is classified as likely pathogenic for autosomal dominant intellectual developmental disorder 42.

GeneDx
Classification: Pathogenic. Last evaluated: 2024-09-23. Review status: criteria provided, single submitter. Criteria: GeneDx Variant Classification Process June 2021. Collection method: clinical testing. Allele origin: germline. Affected: yes.
Comment: Not observed at significant frequency in large population cohorts (gnomAD); In silico analysis supports that this missense variant has a deleterious effect on protein structure/function; Has not been previously published as pathogenic or benign to our knowledge

Victorian Clinical Genetics Services, Murdoch Childrens Research Institute
Classification: Pathogenic for Intellectual developmental disorder, autosomal dominant 42. Last evaluated: 2021-05-06. Review status: criteria provided, single submitter. Criteria: ACMG Guidelines, 2015. Collection method: clinical testing. Allele origin: germline. Inheritance: Autosomal dominant inheritance. Affected: yes.
Comment: Based on the classification scheme VCGS_Germline_v1.3.4, this variant is classified as Pathogenic. Following criteria are met: 0102 - Loss of function is a suggested mechanism of disease in this gene and is associated with GNB1-related neurodevelopmental disorder (MIM#616973). However, a dominant-negative disease mechanism has not been excluded (PMID: 28087732, 32918542). (I) 0107 - This gene is associated with autosomal dominant disease. (I) 0115 - Variants in this gene are known to have variable expressivity. Phenotypes reported to have variability include epilepsy/seizures and brain abnormalities (PMID: 32918542). (I) 0200 - Variant is predicted to result in a missense amino acid change from glutamic acid to lysine. (I) 0251 - This variant is heterozygous. (I) 0301 - Variant is absent from gnomAD (both v2 and v3). (SP) 0502 - Missense variant with conflicting in silico predictions and uninformative conservation. (I) 0603 - Missense variant in a region that is highly intolerant to missense variation (high constraint region in DECIPHER). (SP) 0705 - No comparable missense variants have previous evidence for pathogenicity. (I) 0803 - This variant has limited previous evidence of pathogenicity. It is reported once as likely pathogenic in ClinVar. (SP) 0905 - No published segregation evidence has been identified for this variant. (I) 1007 - No published functional evidence has been identified for this variant. (SP)

Literature cited by the submitters: PubMed 30194818 (cited by Variantyx, Inc.); PubMed 9596582 (cited by Variantyx, Inc.); PubMed 28087732 (cited by Victorian Clinical Genetics Services, Murdoch Childrens Research Institute); PubMed 32918542 (cited by Victorian Clinical Genetics Services, Murdoch Childrens Research Institute).

NM_002074.5(GNB1):c.388G>A (p.Glu130Lys)

Gene: GNB1 (G protein subunit beta 1; minus strand). Cytogenetic location: 1p36.33.
Variant type: single nucleotide variant.
Coding change: c.388G>A on transcript NM_002074.5 (MANE Select); coding-DNA position 388, G replaced by A.
Protein change: p.Glu130Lys; replaces glutamic acid 130 with lysine.
Molecular consequence: missense variant.
Genome position (GRCh38, 1-based): chr1:1,804,461, C>T on the plus strand (G>A on the coding strand, the complement: GNB1 is on the minus strand). VCF-style: chr1-1804461-C-T. GRCh37 (hg19) VCF-style: chr1-1735900-C-T.
Other names: c.88G>A, p.Glu30Lys (NM_001282538.2); c.388G>A, p.Glu130Lys (NM_001282539.2); short protein forms E130K, E30K.
Identifiers: ClinVar variation 452797 (VCV000452797.5), dbSNP rs1553194155, ClinGen allele CA337914460.